The following is an entry in ClinVar:

NM_005732.4(RAD50):c.38G>A (p.Arg13Gln)

Gene: RAD50 (RAD50 double strand break repair protein; plus strand). Cytogenetic location: 5q31.1.
Variant type: single nucleotide variant.
Coding change: c.38G>A on transcript NM_005732.4 (MANE Select); coding-DNA position 38, G replaced by A.
Protein change: p.Arg13Gln; replaces arginine 13 with glutamine.
Molecular consequence: missense variant.
Genome position (GRCh38, 1-based): chr5:132,557,362, G>A. VCF-style: chr5-132557362-G-A. GRCh37 (hg19) VCF-style: chr5-131893054-G-A.
Other names: short protein forms R13Q.
Identifiers: ClinVar variation 1736004 (VCV001736004.2), dbSNP rs1750020062, ClinGen allele CA360950936.

ClinVar aggregate classification (germline): Uncertain significance (1 of 4 stars; one submission).

Conditions:
Hereditary cancer-predisposing syndrome. Also called: Neoplastic Syndromes, Hereditary; Tumor predisposition; Hereditary Cancer Syndrome; Hereditary neoplastic syndrome. Identifiers: Orphanet 140162, MedGen C0027672, MeSH D009386, MONDO:0015356.

Submission:

Ambry Genetics
Classification: Uncertain significance for Hereditary cancer-predisposing syndrome. Last evaluated: 2020-03-04. Review status: criteria provided, single submitter. Criteria: Ambry Variant Classification Scheme 2023. Collection method: clinical testing. Allele origin: germline.
Comment: The p.R13Q variant (also known as c.38G>A), located in coding exon 1 of the RAD50 gene, results from a G to A substitution at nucleotide position 38. The arginine at codon 13 is replaced by glutamine, an amino acid with highly similar properties. This amino acid position is highly conserved in available vertebrate species. In addition, this alteration is predicted to be deleterious by in silico analysis. Since supporting evidence is limited at this time, the clinical significance of this alteration remains unclear.